The following is an entry in ClinVar:

NM_181486.4(TBX5):c.691C>T (p.Pro231Ser)

Gene: TBX5 (T-box transcription factor 5; minus strand). Cytogenetic location: 12q24.21.
Variant type: single nucleotide variant.
Coding change: c.691C>T on transcript NM_181486.4 (MANE Select); coding-DNA position 691, C replaced by T.
Protein change: p.Pro231Ser; replaces proline 231 with serine.
Molecular consequence: missense variant.
Genome position (GRCh38, 1-based): chr12:114,385,540, G>A on the plus strand (C>T on the coding strand, the complement: TBX5 is on the minus strand). VCF-style: chr12-114385540-G-A. GRCh37 (hg19) VCF-style: chr12-114823345-G-A.
Other names: c.691C>T, p.Pro231Ser (NM_000192.3); c.541C>T, p.Pro181Ser (NM_080717.4); short protein forms P231S, P181S.
Identifiers: ClinVar variation 1433880 (VCV001433880.7), dbSNP rs2136397905, ClinGen allele CA386859756.

ClinVar aggregate classification (germline): Conflicting classifications of pathogenicity. Review status: criteria provided, conflicting classifications (1 of 4 stars). 2 submissions from 2 submitters: Pathogenic (1); Uncertain significance (1). Last evaluated 2023-08-25.

Conditions:
Cardiovascular phenotype. Identifiers: MedGen CN230736.
Aortic valve disease 2 (AOVD2). Identifiers: MedGen C3542024, MONDO:0013902, OMIM 614823.

Submissions (2):

Ambry Genetics
Classification: Uncertain significance for Cardiovascular phenotype. Last evaluated: 2023-08-25. Review status: criteria provided, single submitter. Criteria: Ambry Variant Classification Scheme 2023. Collection method: clinical testing. Allele origin: germline.
Comment: The p.P231S variant (also known as c.691C>T), located in coding exon 6 of the TBX5 gene, results from a C to T substitution at nucleotide position 691. The proline at codon 231 is replaced by serine, an amino acid with similar properties. This amino acid position is conserved. In addition, this alteration is predicted to be deleterious by in silico analysis. Since supporting evidence is limited at this time, the clinical significance of this alteration remains unclear.

Labcorp Genetics (formerly Invitae), Labcorp
Classification: Pathogenic for Aortic valve disease 2. Last evaluated: 2021-09-28. Review status: criteria provided, single submitter. Criteria: Invitae Variant Classification Sherloc (09022015). Collection method: clinical testing. Allele origin: germline.
Comment: For these reasons, this variant has been classified as Pathogenic. Advanced modeling of protein sequence and biophysical properties (such as structural, functional, and spatial information, amino acid conservation, physicochemical variation, residue mobility, and thermodynamic stability) performed at Invitae indicates that this missense variant is expected to disrupt TBX5 protein function. This missense change has been observed in individual(s) with clinical features of Holt-Oram syndrome (Invitae). In at least one individual the variant was observed to be de novo. This variant is not present in population databases (ExAC no frequency). This sequence change replaces proline with serine at codon 231 of the TBX5 protein (p.Pro231Ser). The proline residue is highly conserved and there is a moderate physicochemical difference between proline and serine.